The following is an entry in ClinVar:

ClinVar aggregate classification (germline): Pathogenic (3 of 4 stars; one submission).

Conditions:
CYP1B1-related glaucoma with or without anterior segment dysgenesis. Identifiers: MedGen CN375931, MONDO:0800472.

Submission:

ClinGen Glaucoma Variant Curation Expert Panel
Classification: Pathogenic for CYP1B1-related glaucoma with or without anterior segment dysgenesis. Last evaluated: 2025-11-19. Review status: reviewed by expert panel. Criteria: ClinGen CYP1B1 ACMG Specifications V1 Approved. Collection method: curation. Allele origin: germline. Inheritance: Autosomal recessive inheritance.
Comment: The c.1044-1G>C variant in CYP1B1 is a single nucleotide splice site variant (p.?). This variant was not found in any genetic ancestry group of gnomAD (v4.1.0), meeting the ≤ 0.0005 threshold set for PM2_Supporting in a genetic ancestry group of at least 2,000 alleles. This splice site variant was predicted to lead to exon skipping, intron inclusion or use of a cryptic splice site, disrupting the reading frame. It was not predicted to undergo NMD but removes the haem-binding domain (PVS1 met). There was no functional evidence predicting a damaging or benign impact of this variant on CYP1B1 function. 3 affected segregations with a CYP1B1-related phenotype have been reported (PMID: 30270463), which fulfilled PP1_Strong. This variant has been identified in an individual with a CYP1B1-related phenotype. In summary, this variant met the criteria to receive a score of 13 and to be classified as pathogenic (pathogenic classification ≥ 10, adapted from PMID: 32720330) for CYP1B1-related glaucoma with or without anterior segment dysgenesis (ASD) based on the ACMG/AMP criteria met, as specified by the ClinGen Glaucoma VCEP (v1.0, 06.11.2025): PVS1, PP1_Strong, PM2_Supporting.

NM_000104.4(CYP1B1):c.1044-1G>C

Gene: CYP1B1 (cytochrome P450 family 1 subfamily B member 1; minus strand). Cytogenetic location: 2p22.2.
Variant type: single nucleotide variant.
Coding change: c.1044-1G>C on transcript NM_000104.4 (MANE Select); the canonical splice acceptor site of the intron before coding-DNA position 1044, G replaced by C.
Molecular consequence: splice acceptor variant.
Genome position (GRCh38, 1-based): chr2:38,071,311, C>G on the plus strand (G>C on the coding strand, the complement: CYP1B1 is on the minus strand). VCF-style: chr2-38071311-C-G. GRCh37 (hg19) VCF-style: chr2-38298454-C-G.
Other names: NM_000104.4:c.1044-1G>C.
Identifiers: ClinVar variation 4530669 (VCV004530669.1).